The following is an entry in ClinVar:

NM_001103.4(ACTN2):c.1748A>G (p.Glu583Gly)

Gene: ACTN2 (actinin alpha 2; plus strand). Cytogenetic location: 1q43.
Variant type: single nucleotide variant.
Coding change: c.1748A>G on transcript NM_001103.4 (MANE Select); coding-DNA position 1748, A replaced by G.
Protein change: p.Glu583Gly; replaces glutamic acid 583 with glycine.
Molecular consequence: missense variant.
Genome position (GRCh38, 1-based): chr1:236,751,561, A>G. VCF-style: chr1-236751561-A-G. GRCh37 (hg19) VCF-style: chr1-236914861-A-G.
Other names: p.E583G:GAG>GGG; c.1748A>G, p.Glu583Gly (NM_001278343.2); c.1124A>G, p.Glu375Gly (NM_001278344.2); short protein forms E583G, E375G.
Identifiers: ClinVar variation 201642 (VCV000201642.23), dbSNP rs200631005, ClinGen allele CA335033.

ClinVar aggregate classification (germline): Conflicting classifications of pathogenicity. Review status: criteria provided, conflicting classifications (1 of 4 stars). 8 submissions from 8 submitters: Uncertain significance (1); Benign (2); Likely benign (5). Last evaluated 2026-06-01.

Conditions:
Cardiovascular phenotype. Identifiers: MedGen CN230736.
Primary familial hypertrophic cardiomyopathy (HCM). Identifiers: Orphanet 99739, MedGen C0949658, MeSH D024741, MONDO:0024573. Inheritance: Various modes of inheritance.
Dilated cardiomyopathy 1AA (CMD1AA). Also called: CARDIOMYOPATHY, DILATED, 1AA, WITH OR WITHOUT LEFT VENTRICULAR NONCOMPACTION; CARDIOMYOPATHY, FAMILIAL HYPERTROPHIC, 23, WITH OR WITHOUT LEFT VENTRICULAR NONCOMPACTION; Cardiomyopathy, dilated, 1AA, with or without LVNC. Identifiers: Orphanet 154, MedGen C2677338, MONDO:0012808, OMIM 612158.
Cardiomyopathy (CMYO). Also called: Cardiomyopathies. Identifiers: Orphanet 167848, MedGen C0878544, MONDO:0004994, HP:0001638. Inheritance: Various modes of inheritance.

Allele frequency attached by ClinVar (database versions not stated): gnomAD 0.00012; 1000 Genomes Project 30x 0.00016; 1000 Genomes Project 0.00020; TOPMed 0.00040.
gnomAD v4.1: 318 of 1,614,104 alleles (0.02%); highest among the groups gnomAD compares: Admixed American, 0.52%; 1 homozygote.

Submissions (8):

CeGaT Center for Human Genetics Tuebingen
Classification: Likely benign. Last evaluated: 2026-06-01. Review status: criteria provided, single submitter. Criteria: CeGaT Center For Human Genetics Tuebingen Variant Classification Criteria Version 2. Collection method: clinical testing. Allele origin: germline. Affected: yes. Observed: 2 variant alleles.
Comment: ACTN2: PM5, BP4, BS1

Labcorp Genetics (formerly Invitae), Labcorp
Classification: Benign for Primary familial hypertrophic cardiomyopathy; Dilated cardiomyopathy 1AA. Last evaluated: 2026-01-25. Review status: criteria provided, single submitter. Criteria: Invitae Variant Classification Sherloc (09022015). Collection method: clinical testing. Allele origin: germline.

Women's Health and Genetics/Laboratory Corporation of America, LabCorp
Classification: Likely benign. Last evaluated: 2023-05-18. Review status: criteria provided, single submitter. Criteria: LabCorp Variant Classification Summary - May 2015. Collection method: clinical testing. Allele origin: germline.

CHEO Genetics Diagnostic Laboratory, Children's Hospital of Eastern Ontario
Classification: Benign for Cardiomyopathy. Last evaluated: 2021-08-13. Review status: criteria provided, single submitter. Criteria: ACMG Guidelines, 2015. Collection method: clinical testing. Allele origin: germline.

Mendelics
Classification: Likely benign for Dilated cardiomyopathy 1AA. Last evaluated: 2019-05-28. Review status: criteria provided, single submitter. Criteria: Mendelics Assertion Criteria 2017. Collection method: clinical testing. Allele origin: unknown.

Ambry Genetics
Classification: Likely benign for Cardiovascular phenotype. Last evaluated: 2018-08-14. Review status: criteria provided, single submitter. Criteria: Ambry Variant Classification Scheme 2023. Collection method: clinical testing. Allele origin: germline.

GeneDx
Classification: Likely benign. Last evaluated: 2018-02-13. Review status: criteria provided, single submitter. Criteria: GeneDx Variant Classification (06012015). Collection method: clinical testing. Allele origin: germline. Affected: yes.
Comment: This variant is considered likely benign or benign based on one or more of the following criteria: it is a conservative change, it occurs at a poorly conserved position in the protein, it is predicted to be benign by multiple in silico algorithms, and/or has population frequency not consistent with disease.

Stanford Center for Inherited Cardiovascular Disease, Stanford University
Classification: Uncertain significance. Last evaluated: 2015-04-08. Review status: criteria provided, single submitter. Criteria: ACMG Guidelines, 2015. Collection method: provider interpretation. Allele origin: germline.